The following is an entry in ClinVar:

NM_001008212.2(OPTN):c.882+5G>C

Gene: OPTN (optineurin; plus strand). Cytogenetic location: 10p13.
Variant type: single nucleotide variant.
Coding change: c.882+5G>C on transcript NM_001008212.2 (MANE Select); 5 bases into the intron after coding-DNA position 882, G replaced by C.
Molecular consequence: intron variant.
Genome position (GRCh38, 1-based): chr10:13,122,492, G>C. VCF-style: chr10-13122492-G-C. GRCh37 (hg19) VCF-style: chr10-13164492-G-C.
Other names: c.882+5G>C (NM_001008211.1, NM_001008213.1, NM_021980.4).
Identifiers: ClinVar variation 1385660 (VCV001385660.10), dbSNP rs766398912, ClinGen allele CA5410774.

ClinVar aggregate classification (germline): Uncertain significance. Review status: criteria provided, multiple submitters, no conflicts (2 of 4 stars). 3 submissions from 3 submitters: Uncertain significance (3). Last evaluated 2025-05-15.

Conditions:
Inborn genetic diseases. Identifiers: MedGen C0950123, MeSH D030342.
Primary open angle glaucoma (POAG). Also called: OPTN-related open angle glaucoma. Identifiers: MedGen C0339573, MONDO:0100553, OMIM 137760.
Glaucoma 1, open angle, E. Identifiers: MedGen C1842026, MONDO:0007665.
Amyotrophic lateral sclerosis type 12 (ALS12). Also called: AMYOTROPHIC LATERAL SCLEROSIS 12 WITH OR WITHOUT FRONTOTEMPORAL DEMENTIA. Identifiers: Orphanet 803, MedGen C3150692, MONDO:0013264, OMIM 613435.

Allele frequency attached by ClinVar (database versions not stated): gnomAD exomes below 0.00001; ExAC 0.00001; gnomAD 0.00001; TOPMed 0.00001.
gnomAD v4.1: 4 of 1,601,410 alleles (0.00025%); highest among the groups gnomAD compares: African/African-American, 0.0054%; no homozygotes.

Submissions (4):

GeneDx
Classification: Uncertain significance. Last evaluated: 2025-05-15. Review status: criteria provided, single submitter. Criteria: GeneDx Variant Classification Process June 2021. Collection method: clinical testing. Allele origin: germline. Affected: yes.
Comment: In silico analysis supports a deleterious effect on splicing; Has not been previously published as pathogenic or benign to our knowledge

Labcorp Genetics (formerly Invitae), Labcorp
Classification: Uncertain significance for Primary open angle glaucoma; Glaucoma 1, open angle, E; Amyotrophic lateral sclerosis type 12. Last evaluated: 2021-11-26. Review status: criteria provided, single submitter. Criteria: Invitae Variant Classification Sherloc (09022015). Collection method: clinical testing. Allele origin: germline.
Comment: In summary, the available evidence is currently insufficient to determine the role of this variant in disease. Therefore, it has been classified as a Variant of Uncertain Significance. Variants that disrupt the consensus splice site are a relatively common cause of aberrant splicing (PMID: 17576681, 9536098). Algorithms developed to predict the effect of sequence changes on RNA splicing suggest that this variant may disrupt the consensus splice site. This variant has not been reported in the literature in individuals affected with OPTN-related conditions. This variant is present in population databases (rs766398912, gnomAD 0.007%). This sequence change falls in intron 7 of the OPTN gene. It does not directly change the encoded amino acid sequence of the OPTN protein. It affects a nucleotide within the consensus splice site.

Ambry Genetics
Classification: Uncertain significance for Inborn genetic diseases. Last evaluated: 2020-12-30. Review status: criteria provided, single submitter. Criteria: Ambry Variant Classification Scheme 2023. Collection method: clinical testing. Allele origin: germline.
Comment: The c.882+5G>C intronic variant results from a G to C substitution 5 nucleotides after coding exon 6 in the OPTN gene. This nucleotide position is highly conserved in available vertebrate species. In silico splice site analysis predicts that this alteration will weaken the native splice donor site. Since supporting evidence is limited at this time, the clinical significance of this alteration remains unclear.

Dr. Peter K. Rogan Lab, Western University
No classification provided (evidence only). Condition: Familial cancer of breast. Review status: no classification provided. Collection method: in vitro. Allele origin: not applicable. Functional consequence: retained intron. Not counted in ClinVar's aggregate classification.

Literature cited by the submitters: PubMed 17576681 (cited by Labcorp Genetics (formerly Invitae), Labcorp); PubMed 9536098 (cited by Labcorp Genetics (formerly Invitae), Labcorp).